The following is an entry in ClinVar:

NM_000444.6(PHEX):c.850-3C>T

Gene: PHEX (phosphate regulating endopeptidase X-linked; plus strand). Cytogenetic location: Xp22.11.
Variant type: single nucleotide variant.
Coding change: c.850-3C>T on transcript NM_000444.6 (MANE Select); 3 bases into the intron before coding-DNA position 850, C replaced by T.
Molecular consequence: intron variant.
Genome position (GRCh38, 1-based): chrX:22,096,952, C>T. VCF-style: chrX-22096952-C-T. GRCh37 (hg19) VCF-style: chrX-22115070-C-T.
Other names: c.850-3C>T (NM_001282754.2).
Identifiers: ClinVar variation 2992267 (VCV002992267.3), dbSNP rs2519775609, ClinGen allele CA2740092073.
Genomic context (GRCh38, chrX:22,096,952, plus strand): 5'-AAGTAATCATACAGTAAGAAATGGTTCACTTGAAAAAAAATAACAAAAATCTCTTTTCAA[C>T]AGATAATGATTCCACATGAAAACCGAACCAGCGAGGCCATGTACAACAAAATGAACATTT-3'

ClinVar aggregate classification (germline): Uncertain significance (1 of 4 stars; one submission).

Submission:

Labcorp Genetics (formerly Invitae), Labcorp
Classification: Uncertain significance. Last evaluated: 2024-01-14. Review status: criteria provided, single submitter. Criteria: Invitae Variant Classification Sherloc (09022015). Collection method: clinical testing. Allele origin: germline.
Comment: This sequence change falls in intron 7 of the PHEX gene. It does not directly change the encoded amino acid sequence of the PHEX protein. It affects a nucleotide within the consensus splice site. This variant is not present in population databases (gnomAD no frequency). This variant has not been reported in the literature in individuals affected with PHEX-related conditions. Variants that disrupt the consensus splice site are a relatively common cause of aberrant splicing (PMID: 17576681, 9536098). Algorithms developed to predict the effect of sequence changes on RNA splicing suggest that this variant is not likely to affect RNA splicing. This variant disrupts the c.850-3C nucleotide in the PHEX gene. Other variant(s) that disrupt this nucleotide have been determined to be pathogenic (PMID: 30298485, 30682568, 31102713). This suggests that this nucleotide is clinically significant, and that variants that disrupt this position are likely to be disease-causing. In summary, the available evidence is currently insufficient to determine the role of this variant in disease. Therefore, it has been classified as a Variant of Uncertain Significance.

Literature cited by the submitters: PubMed 17576681; PubMed 9536098; PubMed 30298485; PubMed 30682568; PubMed 31102713.